The following is an entry in ClinVar:

NM_001370259.2(MEN1):c.785A>G (p.Lys262Arg)

Gene: MEN1 (menin 1; minus strand). Cytogenetic location: 11q13.1.
Variant type: single nucleotide variant.
Coding change: c.785A>G on transcript NM_001370259.2 (MANE Select); coding-DNA position 785, A replaced by G.
Protein change: p.Lys262Arg; replaces lysine 262 with arginine.
Molecular consequence: missense variant.
Genome position (GRCh38, 1-based): chr11:64,807,218, T>C on the plus strand (A>G on the coding strand, the complement: MEN1 is on the minus strand). VCF-style: chr11-64807218-T-C. GRCh37 (hg19) VCF-style: chr11-64574690-T-C.
Other names: c.800A>G, p.Lys267Arg (NM_000244.4, NM_130800.3, NM_130801.3 and 3 more transcripts); c.785A>G, p.Lys262Arg (NM_001370251.2, NM_001370260.2, NM_001370261.2 and 1 more transcripts); c.680A>G, p.Lys227Arg (NM_001370262.2, NM_001370263.2); short protein forms K262R, K267R, K227R.
Identifiers: ClinVar variation 485718 (VCV000485718.13), dbSNP rs1555165373, ClinGen allele CA381184013.

ClinVar aggregate classification (germline): Uncertain significance. Review status: criteria provided, multiple submitters, no conflicts (2 of 4 stars). 4 submissions from 4 submitters: Uncertain significance (4). Last evaluated 2024-11-18.

Conditions:
Hereditary cancer-predisposing syndrome. Also called: Tumor predisposition; Neoplastic Syndromes, Hereditary; Hereditary Cancer Syndrome; Hereditary neoplastic syndrome. Identifiers: Orphanet 140162, MedGen C0027672, MeSH D009386, MONDO:0015356.
Multiple endocrine neoplasia, type 1 (MEN1). Also called: MEA I; MEN I; WERMER SYNDROME; Endocrine adenomatosis multiple; MEN 1. Identifiers: Orphanet 652, MedGen C0025267, MeSH D018761, MONDO:0007540, OMIM 131100.

Allele frequency attached by ClinVar (database versions not stated): TOPMed below 0.00001.

Submissions (4):

Labcorp Genetics (formerly Invitae), Labcorp
Classification: Uncertain significance for Multiple endocrine neoplasia, type 1. Last evaluated: 2024-11-18. Review status: criteria provided, single submitter. Criteria: Invitae Variant Classification Sherloc (09022015). Collection method: clinical testing. Allele origin: germline.
Comment: This sequence change replaces lysine, which is basic and polar, with arginine, which is basic and polar, at codon 262 of the MEN1 protein (p.Lys262Arg). This variant is not present in population databases (gnomAD no frequency). This variant has not been reported in the literature in individuals affected with MEN1-related conditions. ClinVar contains an entry for this variant (Variation ID: 485718). An algorithm developed to predict the effect of missense changes on protein structure and function (PolyPhen-2) suggests that this variant is likely to be tolerated. In summary, the available evidence is currently insufficient to determine the role of this variant in disease. Therefore, it has been classified as a Variant of Uncertain Significance.

Baylor Genetics
Classification: Uncertain significance for Multiple Endocrine Neoplasia Type 1. Last evaluated: 2024-02-21. Review status: criteria provided, single submitter. Criteria: ACMG Guidelines, 2015. Collection method: clinical testing. Allele origin: unknown.

All of Us Research Program, National Institutes of Health
Classification: Uncertain significance for Multiple endocrine neoplasia, type 1. Last evaluated: 2023-05-30. Review status: criteria provided, single submitter. Criteria: ACMG Guidelines, 2015. Collection method: clinical testing. Allele origin: germline. Inheritance: Autosomal dominant inheritance. Observed: 1 variant allele, 1 heterozygote.
Comment: This missense variant replaces lysine with arginine at codon 262 of the MEN1 protein. Computational prediction is inconclusive regarding the impact of this variant on protein structure and function (internally defined REVEL score threshold 0.5 < inconclusive < 0.7, PMID: 27666373). To our knowledge, functional studies have not been reported for this variant. This variant has not been reported in individuals affected with hereditary cancer in the literature. This variant has not been identified in the general population by the Genome Aggregation Database (gnomAD). The available evidence is insufficient to determine the role of this variant in disease conclusively. Therefore, this variant is classified as a Variant of Uncertain Significance.

This study involves interpretation of variants in research participants for the purpose of population health screening. Participant phenotype was not available at the time of variant classification. Additional details can be found in publication PMID: 35346344, PMCID: PMC8962531

Ambry Genetics
Classification: Uncertain significance for Hereditary cancer-predisposing syndrome. Last evaluated: 2022-02-03. Review status: criteria provided, single submitter. Criteria: Ambry Variant Classification Scheme 2023. Collection method: clinical testing. Allele origin: germline.